The following is an entry in ClinVar:

NM_000760.4(CSF3R):c.2072C>T (p.Pro691Leu)

Gene: CSF3R (colony stimulating factor 3 receptor; minus strand). Cytogenetic location: 1p34.3.
Variant type: single nucleotide variant.
Coding change: c.2072C>T on transcript NM_000760.4 (MANE Select); coding-DNA position 2072, C replaced by T.
Protein change: p.Pro691Leu; replaces proline 691 with leucine.
Molecular consequence: missense variant.
Genome position (GRCh38, 1-based): chr1:36,466,796, G>A on the plus strand (C>T on the coding strand, the complement: CSF3R is on the minus strand). VCF-style: chr1-36466796-G-A. GRCh37 (hg19) VCF-style: chr1-36932397-G-A.
Other names: p.Pro691Leu; c.2153C>T, p.Pro718Leu (NM_156039.3); c.2072C>T, p.Pro691Leu (NM_172313.3); short protein forms P691L, P718L.
Identifiers: ClinVar variation 844038 (VCV000844038.12), dbSNP rs183614500, ClinGen allele CA768955.

ClinVar aggregate classification (germline): Uncertain significance. Review status: criteria provided, multiple submitters, no conflicts (2 of 4 stars). 5 submissions from 5 submitters: Uncertain significance (4). 1 of the submissions does not count toward it. Last evaluated 2026-01-01.

Conditions:
Inborn genetic diseases. Identifiers: MedGen C0950123, MeSH D030342.
Autosomal recessive severe congenital neutropenia due to CSF3R deficiency. Also called: Neutropenia, severe congenital, 7, autosomal recessive. Identifiers: Orphanet 420702, MedGen C4310764, MONDO:0014865, OMIM 617014.

Allele frequency attached by ClinVar (database versions not stated): gnomAD exomes 0.00006 and 0.00018; gnomAD 0.00012 and 0.00013; ExAC 0.00016; TOPMed 0.00031; 1000 Genomes Project 0.00040; 1000 Genomes Project 30x 0.00047.
gnomAD v4.1: 107 of 1,614,204 alleles (0.0066%); highest among the groups gnomAD compares: Admixed American, 0.09%; 1 homozygote.

Submissions (5):

Labcorp Genetics (formerly Invitae), Labcorp
Classification: Uncertain significance for Autosomal recessive severe congenital neutropenia due to CSF3R deficiency. Last evaluated: 2026-01-01. Review status: criteria provided, single submitter. Criteria: Invitae Variant Classification Sherloc (09022015). Collection method: clinical testing. Allele origin: germline.
Comment: This sequence change replaces proline, which is neutral and non-polar, with leucine, which is neutral and non-polar, at codon 691 of the CSF3R protein (p.Pro691Leu). This variant is present in population databases (rs183614500, gnomAD 0.09%). This variant has not been reported in the literature in individuals affected with CSF3R-related conditions. ClinVar contains an entry for this variant (Variation ID: 844038). Invitae Evidence Modeling of protein sequence and biophysical properties (such as structural, functional, and spatial information, amino acid conservation, physicochemical variation, residue mobility, and thermodynamic stability) indicates that this missense variant is not expected to disrupt CSF3R protein function with a negative predictive value of 80%. In summary, the available evidence is currently insufficient to determine the role of this variant in disease. Therefore, it has been classified as a Variant of Uncertain Significance.

Mayo Clinic Laboratories, Mayo Clinic
Classification: Uncertain significance. Last evaluated: 2025-05-05. Review status: criteria provided, single submitter. Criteria: ACMG Guidelines, 2015. Collection method: clinical testing. Allele origin: germline. Observed: 1 variant allele.
Comment: BP4_moderate

Ambry Genetics
Classification: Uncertain significance for Inborn genetic diseases. Last evaluated: 2021-10-06. Review status: criteria provided, single submitter. Criteria: Ambry Variant Classification Scheme 2023. Collection method: clinical testing. Allele origin: germline.

Center for Genomics, Ann and Robert H. Lurie Children's Hospital of Chicago
Classification: Uncertain significance for Autosomal recessive severe congenital neutropenia due to CSF3R deficiency. Last evaluated: 2021-03-30. Review status: criteria provided, single submitter. Criteria: ACMG Guidelines, 2015. Collection method: clinical testing. Allele origin: germline.
Comment: CSF3R NM_000760.3 exon 17 p.Pro691Leu (c.2072C>T): This variant has not been reported in the literature but is present in 0.1% (17/15286) of Latino alleles in the Genome Aggregation Database. This variant is present in ClinVar (Variation ID:844038). Evolutionary conservation and computational predictive tools suggest that this variant may not impact the protein. In summary, data on this variant is insufficient for disease classification. Therefore, the clinical significance of this variant is uncertain.

Genetic Services Laboratory, University of Chicago
Classification: Uncertain significance. Last evaluated: 2022-09-21. Review status: no assertion criteria provided. Collection method: clinical testing. Allele origin: germline. Affected: no. Not counted in ClinVar's aggregate classification.
Comment: DNA sequence analysis of the CSF3R gene demonstrated a sequence change, c.2072C>T, in exon 17 that results in an amino acid change, p.Pro691Leu. This sequence change does not appear to have been previously described in individuals with CSF3R-related disorders. This sequence change has been described in the gnomAD database with a frequency of 0.017% in the overall population (dbSNP rs183614500). The p.Pro691Leu change affects a moderately conserved amino acid residue located in a domain of the CSF3R protein that is not known to be functional. The p.Pro691Leu substitution appears to be benign using several in-silico pathogenicity prediction tools (SIFT, PolyPhen2, Align GVGD, REVEL). Due to insufficient evidences and the lack of functional studies, the clinical significance of the p.Pro691Leu change remains unknown at this time.